The following is an entry in ClinVar:

ClinVar aggregate classification (germline): Uncertain significance (1 of 4 stars; one submission).

Conditions:
Hereditary spastic paraplegia 3A (SPG3A). Also called: Spastic paraplegia 3A, autosomal dominant; SPASTIC PARAPLEGIA 3, AUTOSOMAL DOMINANT; FAMILIAL SPASTIC PARAPLEGIA, AUTOSOMAL DOMINANT, 1; SPG3; STRUMPELL DISEASE; Spastic Paraplegia 3A. Identifiers: Orphanet 100984, MedGen C2931355, MONDO:0008437, OMIM 182600.

Allele frequency attached by ClinVar (database versions not stated): gnomAD exomes below 0.00001; gnomAD 0.00001; TOPMed 0.00001.
gnomAD v4.1: 2 of 1,607,684 alleles (0.00012%); highest among the groups gnomAD compares: Admixed American, 0.0033%; no homozygotes.

Submission:

Labcorp Genetics (formerly Invitae), Labcorp
Classification: Uncertain significance for Hereditary spastic paraplegia 3A. Last evaluated: 2023-03-03. Review status: criteria provided, single submitter. Criteria: Invitae Variant Classification Sherloc (09022015). Collection method: clinical testing. Allele origin: germline.
Comment: This variant is present in population databases (no rsID available, gnomAD 0.003%). This sequence change replaces alanine, which is neutral and non-polar, with serine, which is neutral and polar, at codon 141 of the ATL1 protein (p.Ala141Ser). This variant has not been reported in the literature in individuals affected with ATL1-related conditions. In summary, the available evidence is currently insufficient to determine the role of this variant in disease. Therefore, it has been classified as a Variant of Uncertain Significance. Advanced modeling of protein sequence and biophysical properties (such as structural, functional, and spatial information, amino acid conservation, physicochemical variation, residue mobility, and thermodynamic stability) performed at Invitae indicates that this missense variant is expected to disrupt ATL1 protein function.

NM_015915.5(ATL1):c.421G>T (p.Ala141Ser)

Gene: ATL1 (atlastin GTPase 1; plus strand). Cytogenetic location: 14q22.1.
Variant type: single nucleotide variant.
Coding change: c.421G>T on transcript NM_015915.5 (MANE Select); coding-DNA position 421, G replaced by T.
Protein change: p.Ala141Ser; replaces alanine 141 with serine.
Molecular consequence: missense variant.
Genome position (GRCh38, 1-based): chr14:50,591,538, G>T. VCF-style: chr14-50591538-G-T. GRCh37 (hg19) VCF-style: chr14-51058256-G-T.
Other names: c.421G>T, p.Ala141Ser (NM_001127713.1, NM_181598.4); short protein forms A141S.
Identifiers: ClinVar variation 2783078 (VCV002783078.3), dbSNP rs1396189219, ClinGen allele CA389667128.